The following is an entry in ClinVar:

NM_005535.3(IL12RB1):c.1623_1624delinsTT (p.Gln542Ter)

Gene: IL12RB1 (interleukin 12 receptor subunit beta 1; minus strand). Cytogenetic location: 19p13.11.
Variant type: Indel.
Coding change: c.1623_1624delinsTT on transcript NM_005535.3 (MANE Select); coding-DNA positions 1623 to 1624, GC replaced by TT.
Protein change: p.Gln542Ter; replaces glutamine 542 with a stop codon.
Molecular consequence: nonsense.
Genome position (GRCh38, 1-based): chr19:18,062,272-18,062,273, GC replaced by AA on the plus strand (GC replaced by TT on the coding strand, the reverse complement: IL12RB1 is on the minus strand). VCF-style: chr19-18062272-GC-AA. GRCh37 (hg19) VCF-style: chr19-18173082-GC-AA.
Other names: c.1623_1624delinsTT, p.Gln542Ter (NM_001290023.2); c.1743_1744delGCinsTT, p.Gln582Ter (NM_001290024.2); short protein forms Q542*, Q582*.
Identifiers: ClinVar variation 853655 (VCV000853655.8), dbSNP rs2034195416, ClinGen allele CA916082454.

ClinVar aggregate classification (germline): Pathogenic. Review status: criteria provided, multiple submitters, no conflicts (2 of 4 stars). 2 submissions from 2 submitters: Pathogenic (2). Last evaluated 2025-10-23.

Conditions:
IL12RB1-related disorder. Also called: IL12RB1-related condition.
Mendelian susceptibility to mycobacterial diseases due to complete IL12RB1 deficiency. Also called: IL12RB1 DEFICIENCY; Immunodeficiency 30. Identifiers: Orphanet 319552, MedGen C4013949, MONDO:0013955, OMIM 614891.

Submissions (2):

Labcorp Genetics (formerly Invitae), Labcorp
Classification: Pathogenic for Mendelian susceptibility to mycobacterial diseases due to complete IL12RB1 deficiency. Last evaluated: 2025-10-23. Review status: criteria provided, single submitter. Criteria: Invitae Variant Classification Sherloc (09022015). Collection method: clinical testing. Allele origin: germline.
Comment: This sequence change creates a premature translational stop signal (p.Gln542*) in the IL12RB1 gene. It is expected to result in an absent or disrupted protein product. Loss-of-function variants in IL12RB1 are known to be pathogenic (PMID: 9603733, 12591909). Information on the frequency of this variant in the gnomAD database is not available, as this variant may be reported differently in the database. This premature translational stop signal has been observed in individual(s) with Mendelian susceptibility to mycobacterial disease (PMID: 12591909, 18940359, 19460324). ClinVar contains an entry for this variant (Variation ID: 853655). For these reasons, this variant has been classified as Pathogenic.

PreventionGenetics, part of Exact Sciences
Classification: Pathogenic for IL12RB1-related condition. Last evaluated: 2025-05-01. Review status: criteria provided, single submitter. Criteria: ACMG Guidelines, 2015. Collection method: clinical testing. Allele origin: germline.
Comment: The IL12RB1 c.1623_1624delinsTT variant is predicted to result in premature protein termination (p.Gln542*). This variant has been reported in the homozygous or compound heterozygous states in individuals with IL12RB1 deficiency (See for example: Fieschi et al. 2003. PubMed ID: 12591909). This variant has not been reported in a large population database (gnomAD), indicating this variant is rare. Nonsense variants in IL12RB1 are expected to be pathogenic. This variant is interpreted as pathogenic.

Literature cited by the submitters: PubMed 9603733 (cited by Labcorp Genetics (formerly Invitae), Labcorp); PubMed 12591909 (cited by Labcorp Genetics (formerly Invitae), Labcorp); PubMed 18940359 (cited by Labcorp Genetics (formerly Invitae), Labcorp); PubMed 19460324 (cited by Labcorp Genetics (formerly Invitae), Labcorp).